The following is an entry in ClinVar:

NM_001166108.2(PALLD):c.1402C>G (p.Pro468Ala)

Gene: PALLD (palladin, cytoskeletal associated protein; plus strand). Cytogenetic location: 4q32.3.
Variant type: single nucleotide variant.
Coding change: c.1402C>G on transcript NM_001166108.2 (MANE Select); coding-DNA position 1402, C replaced by G.
Protein change: p.Pro468Ala; replaces proline 468 with alanine.
Molecular consequence: missense variant.
Genome position (GRCh38, 1-based): chr4:168,690,669, C>G. VCF-style: chr4-168690669-C-G. GRCh37 (hg19) VCF-style: chr4-169611820-C-G.
Other names: c.256C>G, p.Pro86Ala (NM_001166109.2); c.1402C>G, p.Pro468Ala (NM_016081.4); short protein forms P468A, P86A.
Identifiers: ClinVar variation 1771836 (VCV001771836.3), dbSNP rs1580988239, ClinGen allele CA358795658.
Genomic context (GRCh38, chr4:168,690,669, plus strand): 5'-CAAAACACAGCCGTGGCGGAAGGCCAGGTGGTGGTTCTGGAGTGCCGGGTCCGTGGGGCA[C>G]CCCCTCTGCAGGTCCAGTGGTTTCGGCAAGGGAGTGAAATCCAAGACTCTCCAGATTTCC-3'
Protein context (NP_001159580.1, residues 458-478): VVLECRVRGA[Pro468Ala]PLQVQWFRQG

ClinVar aggregate classification (germline): Uncertain significance (1 of 4 stars; one submission).

Allele frequency attached by ClinVar (database versions not stated): TOPMed below 0.00001; gnomAD 0.00001.
gnomAD v4.1: 13 of 1,614,046 alleles (0.00081%); highest among the groups gnomAD compares: Non-Finnish European, 0.0011%; no homozygotes.

Submission:

Ambry Genetics
Classification: Uncertain significance. Last evaluated: 2024-08-12. Review status: criteria provided, single submitter. Criteria: Ambry Variant Classification Scheme 2023. Collection method: clinical testing. Allele origin: germline.
Comment: The p.P468A variant (also known as c.1402C>G), located in coding exon 6 of the PALLD gene, results from a C to G substitution at nucleotide position 1402. The proline at codon 468 is replaced by alanine, an amino acid with highly similar properties. This amino acid position is conserved. In addition, the in silico prediction for this alteration is inconclusive. Since supporting evidence is limited at this time, the clinical significance of this alteration remains unclear.